The following is an entry in ClinVar:

NM_001267550.2(TTN):c.14759C>T (p.Thr4920Met)

Gene: TTN (titin; minus strand). Cytogenetic location: 2q31.2.
Variant type: single nucleotide variant.
Coding change: c.14759C>T on transcript NM_001267550.2 (MANE Select); coding-DNA position 14759, C replaced by T.
Protein change: p.Thr4920Met; replaces threonine 4920 with methionine.
Molecular consequence: missense variant. On other transcripts: intron variant (3).
Genome position (GRCh38, 1-based): chr2:178,735,687, G>A on the plus strand (C>T on the coding strand, the complement: TTN is on the minus strand). VCF-style: chr2-178735687-G-A. GRCh37 (hg19) VCF-style: chr2-179600414-G-A.
Other names: c.13808C>T, p.Thr4603Met (NM_001256850.1); c.11027C>T, p.Thr3676Met (NM_133378.4); c.13282+2395C>T (NM_003319.4); c.13858+2395C>T (NM_133437.4); c.13657+2395C>T (NM_133432.3); short protein forms T4920M, T3676M, T4603M.
Identifiers: ClinVar variation 466829 (VCV000466829.13), dbSNP rs371455094, ClinGen allele CA2002354.

ClinVar aggregate classification (germline): Conflicting classifications of pathogenicity. Review status: criteria provided, conflicting classifications (1 of 4 stars). 6 submissions from 6 submitters: Uncertain significance (3); Likely benign (2). 1 of the submissions does not count toward it. Last evaluated 2026-02-09.

Conditions:
TTN-related disorder. Also called: TTN-related disorders; TTN-related condition; TTN-related disease.
Dilated cardiomyopathy 1G (CMD1G). Identifiers: Orphanet 154, MedGen C1858763, MONDO:0011400, OMIM 604145.
Autosomal recessive limb-girdle muscular dystrophy type 2J (LGMDR10). Also called: Limb-girdle muscular dystrophy, type 2J; MUSCULAR DYSTROPHY, LIMB-GIRDLE, AUTOSOMAL RECESSIVE 10. Identifiers: Orphanet 140922, MedGen C1837342, MONDO:0012127, OMIM 608807.

Allele frequency attached by ClinVar (database versions not stated): ExAC 0.00005; gnomAD 0.00013 and 0.00014; TOPMed 0.00020; ESP Exome Variant Server 0.00025.
gnomAD v4.1: 65 of 1,613,600 alleles (0.004%); highest among the groups gnomAD compares: African/African-American, 0.057%; no homozygotes.

Submissions (6):

Women's Health and Genetics/Laboratory Corporation of America, LabCorp
Classification: Likely benign. Last evaluated: 2026-02-09. Review status: criteria provided, single submitter. Criteria: LabCorp Variant Classification Summary - May 2015. Collection method: clinical testing. Allele origin: germline.
Comment: Variant summary: TTN c.11027C>T (p.Thr3676Met) results in a non-conservative amino acid change in the encoded protein sequence. Algorithms developed to predict the effect of missense changes on protein structure and function are either unavailable or do not agree on the potential impact of this missense change. The variant allele was found at a frequency of 4e-05 in 1613600 control chromosomes, predominantly at a frequency of 0.00057 within the African or African-American subpopulation in the gnomAD database. The observed variant frequency within African or African-American control individuals in the gnomAD database exceeds the estimated maximal expected allele frequency for disease-causing variants in TTN. To our knowledge, no occurrence of c.11027C>T in individuals affected with TTN-related conditions and no experimental evidence demonstrating its impact on protein function have been reported. The following publication has been ascertained in the context of this evaluation (PMID: 21720365). ClinVar contains an entry for this variant (Variation ID: 466829). Based on the evidence outlined above, the variant was classified as likely benign.

Revvity Omics, Revvity
Classification: Uncertain significance. Last evaluated: 2024-07-17. Review status: criteria provided, single submitter. Criteria: ACMG Guidelines, 2015. Collection method: clinical testing. Allele origin: germline.

GeneDx
Classification: Likely benign. Last evaluated: 2018-06-20. Review status: criteria provided, single submitter. Criteria: GeneDx Variant Classification (06012015). Collection method: clinical testing. Allele origin: germline. Affected: yes.
Comment: This variant is considered likely benign or benign based on one or more of the following criteria: it is a conservative change, it occurs at a poorly conserved position in the protein, it is predicted to be benign by multiple in silico algorithms, and/or has population frequency not consistent with disease.

Labcorp Genetics (formerly Invitae), Labcorp
Classification: Uncertain significance for Dilated cardiomyopathy 1G; Autosomal recessive limb-girdle muscular dystrophy type 2J. Last evaluated: 2017-08-26. Review status: criteria provided, single submitter. Criteria: Invitae Variant Classification Sherloc (09022015). Collection method: clinical testing. Allele origin: germline.

Eurofins Ntd Llc (ga)
Classification: Uncertain significance. Last evaluated: 2016-11-29. Review status: criteria provided, single submitter. Criteria: EGL Classification Definitions 2015. Collection method: clinical testing. Allele origin: germline. Observed: 1 variant allele, 1 heterozygote.

PreventionGenetics, part of Exact Sciences
Classification: Uncertain significance for TTN-related condition. Last evaluated: 2024-07-18. Review status: no assertion criteria provided. Collection method: clinical testing. Allele origin: germline. Not counted in ClinVar's aggregate classification.
Comment: The TTN c.14759C>T variant is predicted to result in the amino acid substitution p.Thr4920Met. To our knowledge, this variant has not been reported in the literature. This variant is reported in 0.058% of alleles in individuals of African descent in gnomAD. Although we suspect that this variant may be benign, at this time, the clinical significance of this variant is uncertain due to the absence of conclusive functional and genetic evidence.